The following is an entry in ClinVar:

ClinVar aggregate classification (germline): Uncertain significance. Review status: criteria provided, multiple submitters, no conflicts (2 of 4 stars). 3 submissions from 3 submitters: Uncertain significance (3). Last evaluated 2022-12-06.

Conditions:
Neuronal ceroid lipofuscinosis. Also called: Neuronal Ceroid Lipofuscinoses. Identifiers: Orphanet 216, Orphanet 79263, MedGen C0027877, MONDO:0016295. Disease mechanism: loss of function.
Inborn genetic diseases. Identifiers: MedGen C0950123, MeSH D030342.

Allele frequency attached by ClinVar (database versions not stated): ExAC 0.00001; gnomAD exomes 0.00001; TOPMed 0.00001.
gnomAD v4.1: 13 of 1,613,938 alleles (0.00081%); highest among the groups gnomAD compares: Non-Finnish European, 0.001%; no homozygotes.

Submissions (3):

Ambry Genetics
Classification: Uncertain significance for Inborn genetic diseases. Last evaluated: 2022-12-06. Review status: criteria provided, single submitter. Criteria: Ambry Variant Classification Scheme 2023. Collection method: clinical testing. Allele origin: germline.

Labcorp Genetics (formerly Invitae), Labcorp
Classification: Uncertain significance for Neuronal ceroid lipofuscinosis. Last evaluated: 2022-04-12. Review status: criteria provided, single submitter. Criteria: Invitae Variant Classification Sherloc (09022015). Collection method: clinical testing. Allele origin: germline.
Comment: This sequence change replaces threonine, which is neutral and polar, with isoleucine, which is neutral and non-polar, at codon 108 of the CLN3 protein (p.Thr108Ile). This variant is present in population databases (rs769953653, gnomAD 0.0009%). This missense change has been observed in individual(s) with retinitis pigmentosa (Invitae). Algorithms developed to predict the effect of missense changes on protein structure and function are either unavailable or do not agree on the potential impact of this missense change (SIFT: "Deleterious"; PolyPhen-2: "Probably Damaging"; Align-GVGD: "Class C15"). In summary, the available evidence is currently insufficient to determine the role of this variant in disease. Therefore, it has been classified as a Variant of Uncertain Significance.

Blueprint Genetics
Classification: Uncertain significance. Last evaluated: 2021-11-02. Review status: criteria provided, single submitter. Criteria: ACMG Guidelines, 2015. Collection method: clinical testing. Allele origin: germline.

NM_001042432.2(CLN3):c.323C>T (p.Thr108Ile)

Gene: CLN3 (CLN3 lysosomal/endosomal transmembrane protein, battenin; minus strand). Cytogenetic location: 16p12.1.
Variant type: single nucleotide variant.
Coding change: c.323C>T on transcript NM_001042432.2 (MANE Select); coding-DNA position 323, C replaced by T.
Protein change: p.Thr108Ile; replaces threonine 108 with isoleucine.
Molecular consequence: missense variant. On other transcripts: intron variant (1).
Genome position (GRCh38, 1-based): chr16:28,487,713, G>A on the plus strand (C>T on the coding strand, the complement: CLN3 is on the minus strand). VCF-style: chr16-28487713-G-A. GRCh37 (hg19) VCF-style: chr16-28499034-G-A.
Other names: c.323C>T, p.Thr108Ile (NM_000086.2); c.251C>T, p.Thr84Ile (NM_001286104.2); c.89C>T, p.Thr30Ile (NM_001286109.2); c.161C>T, p.Thr54Ile (NM_001286110.2); c.75-172C>T (NM_001286105.2); short protein forms T108I, T30I, T54I, T84I.
Identifiers: ClinVar variation 2333626 (VCV002333626.5), dbSNP rs769953653, ClinGen allele CA7980972.